The following is an entry in ClinVar:

ClinVar aggregate classification (germline): Uncertain significance (1 of 4 stars; one submission).

Submission:

Labcorp Genetics (formerly Invitae), Labcorp
Classification: Uncertain significance. Last evaluated: 2021-08-26. Review status: criteria provided, single submitter. Criteria: Invitae Variant Classification Sherloc (09022015). Collection method: clinical testing. Allele origin: germline.
Comment: This sequence change replaces aspartic acid with glycine at codon 185 of the HELLS protein (p.Asp185Gly). The aspartic acid residue is moderately conserved and there is a moderate physicochemical difference between aspartic acid and glycine. This variant is not present in population databases (ExAC no frequency). This variant has not been reported in the literature in individuals affected with HELLS-related conditions. Algorithms developed to predict the effect of missense changes on protein structure and function (SIFT, PolyPhen-2, Align-GVGD) all suggest that this variant is likely to be tolerated. Algorithms developed to predict the effect of sequence changes on RNA splicing suggest that this variant may create or strengthen a splice site. In summary, the available evidence is currently insufficient to determine the role of this variant in disease. Therefore, it has been classified as a Variant of Uncertain Significance.

NM_018063.5(HELLS):c.554A>G (p.Asp185Gly)

Gene: HELLS (helicase, lymphoid specific; plus strand). Cytogenetic location: 10q23.33.
Variant type: single nucleotide variant.
Coding change: c.554A>G on transcript NM_018063.5 (MANE Select); coding-DNA position 554, A replaced by G.
Protein change: p.Asp185Gly; replaces aspartic acid 185 with glycine.
Molecular consequence: missense variant. On other transcripts: 5 prime UTR variant (2).
Genome position (GRCh38, 1-based): chr10:94,574,036, A>G. VCF-style: chr10-94574036-A-G. GRCh37 (hg19) VCF-style: chr10-96333793-A-G.
Other names: c.554A>G, p.Asp185Gly (NM_001289067.2, NM_001289069.2, NM_001289070.2 and 1 more transcripts); c.506A>G, p.Asp169Gly (NM_001289068.2); c.182A>G, p.Asp61Gly (NM_001289071.2); c.140A>G, p.Asp47Gly (NM_001289073.2); c.-449A>G (NM_001289074.2); c.-468A>G (NM_001289075.2); short protein forms D61G, D185G, D47G, D169G.
Identifiers: ClinVar variation 1932543 (VCV001932543.2), dbSNP rs1482120787, ClinGen allele CA377659358.